The following is an entry in ClinVar:

NM_001854.4(COL11A1):c.4140+13T>A

Gene: COL11A1 (collagen type XI alpha 1 chain; minus strand). Cytogenetic location: 1p21.1.
Variant type: single nucleotide variant.
Coding change: c.4140+13T>A on transcript NM_001854.4 (MANE Select); 13 bases into the intron after coding-DNA position 4140, T replaced by A.
Molecular consequence: intron variant.
Genome position (GRCh38, 1-based): chr1:102,898,928, A>T on the plus strand (T>A on the coding strand, the complement: COL11A1 is on the minus strand). VCF-style: chr1-102898928-A-T. GRCh37 (hg19) VCF-style: chr1-103364484-A-T.
Other names: c.4023+13T>A (NM_001190709.2); c.4176+13T>A (NM_080629.3); c.3792+13T>A (NM_080630.4).
Identifiers: ClinVar variation 291507 (VCV000291507.19), dbSNP rs374901069, ClinGen allele CA973665.
Genomic context (GRCh38, chr1:102,898,928, plus strand): 5'-TGAAATTTTCAAATATAATACCTTGTATATATAATATATAATATATATTATGTATATATT[A>T]TTTTTTTTTTACCTTAGCACCTTTTTCACCTTGTCTTCCCTCTGCACCTGCAGCTCCAGG-3'

ClinVar aggregate classification (germline): Benign/Likely benign. Review status: criteria provided, multiple submitters, no conflicts (2 of 4 stars). 7 submissions from 6 submitters: Benign (4); Likely benign (1). 2 of the submissions do not count toward it. Last evaluated 2026-02-01.

Conditions:
Stickler syndrome type 2 (STL2). Also called: STICKLER SYNDROME, TYPE II; STICKLER SYNDROME, BEADED VITREOUS TYPE; STICKLER SYNDROME, VITREOUS TYPE 2; COL11A1-Related Stickler Syndrome. Identifiers: Orphanet 828, Orphanet 90654, MedGen C1858084, MONDO:0011493, OMIM 604841.
Fibrochondrogenesis 1 (FBCG1). Identifiers: Orphanet 2021, MedGen C3278138, MONDO:0009226, OMIM 228520.

Allele frequency attached by ClinVar (database versions not stated): ESP Exome Variant Server 0.00057; 1000 Genomes Project 0.00160; TOPMed 0.00199; gnomAD 0.00205 and 0.00214; gnomAD exomes 0.00294; ExAC 0.00524.
gnomAD v4.1: 3,527 of 1,254,064 alleles (0.28%); highest among the groups gnomAD compares: Non-Finnish European, 0.36%; 2 homozygotes.

Submissions (7):

Labcorp Genetics (formerly Invitae), Labcorp
Classification: Benign. Last evaluated: 2026-02-01. Review status: criteria provided, single submitter. Criteria: Invitae Variant Classification Sherloc (09022015). Collection method: clinical testing. Allele origin: germline.

ARUP Laboratories, Molecular Genetics and Genomics, ARUP Laboratories
Classification: Benign. Last evaluated: 2024-12-09. Review status: criteria provided, single submitter. Criteria: ARUP Molecular Germline Variant Investigation Process 2024. Collection method: clinical testing. Allele origin: germline.

Illumina Laboratory Services, Illumina
Classification: Likely benign for Stickler syndrome type 2. Last evaluated: 2018-01-12. Review status: criteria provided, single submitter. Criteria: ICSL Variant Classification Criteria 13 December 2019. Collection method: clinical testing. Allele origin: germline.
Comment: This variant was observed in the ICSL laboratory as part of a predisposition screen in an ostensibly healthy population. It had not been previously curated by ICSL or reported in the Human Gene Mutation Database (HGMD: prior to June 1st, 2018), and was therefore a candidate for classification through an automated scoring system. Utilizing variant allele frequency, disease prevalence and penetrance estimates, and inheritance mode, an automated score was calculated to assess if this variant is too frequent to cause the disease. Based on the score and internal cut-off values, a variant classified as likely benign is not then subjected to further curation. The score for this variant resulted in a classification of likely benign for this disease.

Illumina Laboratory Services, Illumina
Classification: Benign for Fibrochondrogenesis 1. Last evaluated: 2018-01-12. Review status: criteria provided, single submitter. Criteria: ICSL Variant Classification Criteria 13 December 2019. Collection method: clinical testing. Allele origin: germline.
Comment: This variant was observed in the ICSL laboratory as part of a predisposition screen in an ostensibly healthy population. It had not been previously curated by ICSL or reported in the Human Gene Mutation Database (HGMD: prior to June 1st, 2018), and was therefore a candidate for classification through an automated scoring system. Utilizing variant allele frequency, disease prevalence and penetrance estimates, and inheritance mode, an automated score was calculated to assess if this variant is too frequent to cause the disease. Based on the score and internal cut-off values, a variant classified as benign is not then subjected to further curation. The score for this variant resulted in a classification of benign for this disease.

GeneDx
Classification: Benign. Last evaluated: 2017-04-12. Review status: criteria provided, single submitter. Criteria: GeneDx Variant Classification (06012015). Collection method: clinical testing. Allele origin: germline. Affected: yes.
Comment: This variant is considered likely benign or benign based on one or more of the following criteria: it is a conservative change, it occurs at a poorly conserved position in the protein, it is predicted to be benign by multiple in silico algorithms, and/or has population frequency not consistent with disease.

Clinical Genetics, Academic Medical Center
Classification: Benign. Review status: no assertion criteria provided. Collection method: clinical testing. Allele origin: germline. Affected: yes. Study: VKGL Data-share Consensus. Not counted in ClinVar's aggregate classification.

Joint Genome Diagnostic Labs from Nijmegen and Maastricht, Radboudumc and MUMC+
Classification: Benign. Review status: no assertion criteria provided. Collection method: clinical testing. Allele origin: germline. Affected: yes. Study: VKGL Data-share Consensus. Not counted in ClinVar's aggregate classification.